The following is an entry in ClinVar:

NM_002880.4(RAF1):c.1234A>G (p.Met412Val)

Gene: RAF1 (Raf-1 proto-oncogene, serine/threonine kinase; minus strand). Cytogenetic location: 3p25.2.
Variant type: single nucleotide variant.
Coding change: c.1234A>G on transcript NM_002880.4 (MANE Select); coding-DNA position 1234, A replaced by G.
Protein change: p.Met412Val; replaces methionine 412 with valine.
Molecular consequence: missense variant. On other transcripts: non-coding transcript variant (3).
Genome position (GRCh38, 1-based): chr3:12,590,934, T>C on the plus strand (A>G on the coding strand, the complement: RAF1 is on the minus strand). VCF-style: chr3-12590934-T-C. GRCh37 (hg19) VCF-style: chr3-12632433-T-C.
Other names: c.1294A>G, p.Met432Val (NM_001354689.3); c.1234A>G, p.Met412Val (NM_001354690.3); c.991A>G, p.Met331Val (NM_001354691.3, NM_001354692.3); c.1135A>G, p.Met379Val (NM_001354693.3); c.1051A>G, p.Met351Val (NM_001354694.3); c.892A>G, p.Met298Val (NM_001354695.3); short protein forms M412V, M331V, M298V, M379V, M432V, M351V.
Identifiers: ClinVar variation 1941205 (VCV001941205.6), dbSNP rs1231291103, ClinGen allele CA351502472.

ClinVar aggregate classification (germline): Uncertain significance. Review status: criteria provided, multiple submitters, no conflicts (2 of 4 stars). 2 submissions from 2 submitters: Uncertain significance (2). Last evaluated 2025-08-29.

Conditions:
Cardiovascular phenotype. Identifiers: MedGen CN230736.
RASopathy. Also called: rasopathies; Noonan spectrum disorder. Identifiers: Orphanet 536391, MedGen C5555857, MONDO:0021060.

Allele frequency attached by ClinVar (database versions not stated): gnomAD exomes below 0.00001.
gnomAD v4.1: 5 of 1,613,190 alleles (0.00031%); highest among the groups gnomAD compares: Admixed American, 0.0033%; no homozygotes.

Submissions (2):

Labcorp Genetics (formerly Invitae), Labcorp
Classification: Uncertain significance for RASopathy. Last evaluated: 2025-08-29. Review status: criteria provided, single submitter. Criteria: Invitae Variant Classification Sherloc (09022015). Collection method: clinical testing. Allele origin: germline.
Comment: This sequence change replaces methionine, which is neutral and non-polar, with valine, which is neutral and non-polar, at codon 412 of the RAF1 protein (p.Met412Val). This variant is present in population databases (no rsID available, gnomAD 0.003%). This variant has not been reported in the literature in individuals affected with RAF1-related conditions. ClinVar contains an entry for this variant (Variation ID: 1941205). Invitae Evidence Modeling incorporating data from in vitro experimental studies (internal data) did not meet the statistical confidence thresholds required to predict the impact of this variant on RAF1 function. In summary, the available evidence is currently insufficient to determine the role of this variant in disease. Therefore, it has been classified as a Variant of Uncertain Significance.

Ambry Genetics
Classification: Uncertain significance for Cardiovascular phenotype. Last evaluated: 2025-02-14. Review status: criteria provided, single submitter. Criteria: Ambry Variant Classification Scheme 2023. Collection method: clinical testing. Allele origin: germline.